The following is an entry in ClinVar:

NM_024675.4(PALB2):c.2286T>C (p.His762=)

Gene: PALB2 (partner and localizer of BRCA2; minus strand). Cytogenetic location: 16p12.2.
Variant type: single nucleotide variant.
Coding change: c.2286T>C on transcript NM_024675.4 (MANE Select); coding-DNA position 2286, T replaced by C.
Protein change: p.His762=; no amino-acid change (histidine 762 retained).
Molecular consequence: synonymous variant.
Genome position (GRCh38, 1-based): chr16:23,629,868, A>G on the plus strand (T>C on the coding strand, the complement: PALB2 is on the minus strand). VCF-style: chr16-23629868-A-G. GRCh37 (hg19) VCF-style: chr16-23641189-A-G.
Identifiers: ClinVar variation 821032 (VCV000821032.5), dbSNP rs1597089487, ClinGen allele CA494460994.

ClinVar aggregate classification (germline): Benign/Likely benign. Review status: criteria provided, multiple submitters, no conflicts (2 of 4 stars). 2 submissions from 2 submitters: Benign (1); Likely benign (1). Last evaluated 2025-01-15.

Conditions:
Hereditary cancer-predisposing syndrome. Also called: Neoplastic Syndromes, Hereditary; Tumor predisposition; Hereditary Cancer Syndrome; Hereditary neoplastic syndrome. Identifiers: Orphanet 140162, MedGen C0027672, MeSH D009386, MONDO:0015356.
Familial cancer of breast. Also called: BREAST CANCER, FAMILIAL; Hereditary breast cancer; hereditary breast carcinoma. Identifiers: Orphanet 227535, MedGen C0346153, MONDO:0016419, OMIM 114480. Disease mechanism: loss of function.

Submissions (2):

Myriad Genetics, Inc.
Classification: Benign for Familial cancer of breast. Last evaluated: 2025-01-15. Review status: criteria provided, single submitter. Criteria: Myriad Autosomal Dominant, Autosomal Recessive and X-Linked Classification Criteria (2023). Collection method: clinical testing. Allele origin: unknown.
Comment: This variant is considered benign. This variant is a silent/synonymous amino acid change and it is not expected to impact splicing.

Ambry Genetics
Classification: Likely benign for Hereditary cancer-predisposing syndrome. Last evaluated: 2019-09-11. Review status: criteria provided, single submitter. Criteria: Ambry Variant Classification Scheme 2023. Collection method: clinical testing. Allele origin: germline.